The following is an entry in ClinVar:

ClinVar aggregate classification (germline): Uncertain significance (1 of 4 stars; one submission).

Conditions:
Inborn genetic diseases. Identifiers: MedGen C0950123, MeSH D030342.

Submission:

Ambry Genetics
Classification: Uncertain significance for Inborn genetic diseases. Last evaluated: 2026-06-14. Review status: criteria provided, single submitter. Criteria: Ambry Variant Classification Scheme 2023. Collection method: clinical testing. Allele origin: germline.
Comment: The p.A1987P variant (also known as c.5959G>C), located in coding exon 22 of the FANCM gene, results from a G to C substitution at nucleotide position 5959. The alanine at codon 1987 is replaced by proline, an amino acid with highly similar properties. This amino acid position is conserved. In addition, the in silico prediction for this alteration is inconclusive. Based on the available evidence, the clinical significance of this variant remains unclear.

NM_020937.4(FANCM):c.5959G>C (p.Ala1987Pro)

Gene: FANCM (FA complementation group M; plus strand). Cytogenetic location: 14q21.2.
Variant type: single nucleotide variant.
Coding change: c.5959G>C on transcript NM_020937.4 (MANE Select); coding-DNA position 5959, G replaced by C.
Protein change: p.Ala1987Pro; replaces alanine 1987 with proline.
Molecular consequence: missense variant.
Genome position (GRCh38, 1-based): chr14:45,198,886, G>C. VCF-style: chr14-45198886-G-C. GRCh37 (hg19) VCF-style: chr14-45668089-G-C.
Other names: c.5881G>C, p.Ala1961Pro (NM_001308133.2); short protein forms A1961P, A1987P.
Identifiers: ClinVar variation 4871197 (VCV004871197.1).